The following is an entry in ClinVar:

ClinVar aggregate classification (germline): Likely pathogenic. Review status: criteria provided, multiple submitters, no conflicts (2 of 4 stars). 4 submissions from 4 submitters: Likely pathogenic (3). 1 of the submissions does not count toward it. Last evaluated 2026-01-26.

Conditions:
Breast-ovarian cancer, familial, susceptibility to, 1 (BROVCA1). Also called: OVARIAN CANCER, SUSCEPTIBILITY TO; BRCA1 Hereditary Breast and Ovarian Cancer. Identifiers: Orphanet 145, MedGen C2676676, MONDO:0011450, OMIM 604370. Disease mechanism: loss of function.
Pancreatic cancer, susceptibility to, 4. Identifiers: Orphanet 1333, MedGen C3280442, MONDO:0013685, OMIM 614320.
Fanconi anemia, complementation group S (FANCS). Identifiers: MedGen C4554406, MONDO:0054748, OMIM 617883.
Hereditary breast ovarian cancer syndrome. Also called: Hereditary breast and ovarian cancer syndrome (HBOC); Hereditary breast and/or ovarian cancer syndrome; Breast and ovarian cancer; Hereditary breast and ovarian cancer syndrome; Hereditary breast and ovarian cancer; BRCA1- and BRCA2-Associated Hereditary Breast and Ovarian Cancer. Identifiers: Orphanet 145, MedGen C0677776, MeSH D061325, MONDO:0003582. Disease mechanism: loss of function.
Hereditary cancer-predisposing syndrome. Also called: Hereditary Cancer Syndrome; Neoplastic Syndromes, Hereditary; Tumor predisposition; Hereditary neoplastic syndrome. Identifiers: Orphanet 140162, MedGen C0027672, MeSH D009386, MONDO:0015356.

Submissions (5):

Labcorp Genetics (formerly Invitae), Labcorp
Classification: Likely pathogenic for Hereditary breast ovarian cancer syndrome. Last evaluated: 2026-01-26. Review status: criteria provided, single submitter. Criteria: Invitae Variant Classification Sherloc (09022015). Collection method: clinical testing. Allele origin: germline.
Comment: This sequence change replaces histidine, which is basic and polar, with aspartic acid, which is acidic and polar, at codon 1686 of the BRCA1 protein (p.His1686Asp). This variant is not present in population databases (gnomAD no frequency). This variant has not been reported in the literature in individuals affected with BRCA1-related conditions. ClinVar contains an entry for this variant (Variation ID: 867583). Invitae Evidence Modeling incorporating data from in vitro experimental studies (PMID: 30209399) indicates that this missense variant is expected to disrupt BRCA1 function with a positive predictive value of 95%. This variant disrupts the p.His1686 amino acid residue in BRCA1. Other variant(s) that disrupt this residue have been determined to be pathogenic (PMID: 23867111, 25452441, 28993434, 30209399; internal data). This suggests that this residue is clinically significant, and that variants that disrupt this residue are likely to be disease-causing. In summary, the currently available evidence indicates that the variant is pathogenic, but additional data are needed to prove that conclusively. Therefore, this variant has been classified as Likely Pathogenic.

Ambry Genetics
Classification: Likely pathogenic for Hereditary cancer-predisposing syndrome. Last evaluated: 2024-08-19. Review status: criteria provided, single submitter. Criteria: Ambry Variant Classification Scheme 2023. Collection method: clinical testing. Allele origin: germline.
Comment: The p.H1686D variant (also known as c.5056C>G), located in coding exon 15 of the BRCA1 gene, results from a C to G substitution at nucleotide position 5056. The histidine at codon 1686 is replaced by aspartic acid, an amino acid with similar properties. One functional study found that this nucleotide substitution is non-functional in a high throughput genome editing haploid cell survival assay (Findlay GM et al. Nature, 2018 Oct;562:217-222). Two other variants at the same codon in the BRCT domain, p.H1686R (c.5057A>G) and p.H1686Q (c.5057A>G), have been identified in affected patients and shown to be non-functional in several assays (Giannini G, et al. J. Clin. Oncol. 2008;26(25):4212-4; Ambry internal data; Bouwman P et al. Cancer Discov. 2013 Oct;3(10):1142-55; Carvalho MA, et al. Cancer Biol Ther. 2002 Sep-Oct;1(5):502-8; Findlay GM et al. Nature, 2018 Oct;562:217-222). This amino acid position is highly conserved in available vertebrate species. This variant is considered to be rare based on population cohorts in the Genome Aggregation Database (gnomAD). In addition, this alteration is predicted to be deleterious by in silico analysis. Based on the majority of available evidence to date, this variant is likely to be pathogenic.

Juno Genomics, Hangzhou Juno Genomics, Inc
Classification: Likely pathogenic for Breast-ovarian cancer, familial, susceptibility to, 1; Pancreatic cancer, susceptibility to, 4; Fanconi anemia, complementation group S. Review status: criteria provided, single submitter. Criteria: ACMG Guidelines, 2015. Collection method: clinical testing. Allele origin: germline.
Comment: Absent from controls (or at extremely low frequency if recessive) in Genome Aggregation Database.;Well-established in vitro or in vivo functional studies supportive of a damaging effect on the gene or gene product.;Multiple lines of computational evidence support a deleterious effect on the gene or gene product.

BRCAlab, Lund University
Classification: Likely pathogenic for Breast-ovarian cancer, familial, susceptibility to, 1. Last evaluated: 2024-02-02. Review status: no assertion criteria provided. Collection method: clinical testing. Allele origin: germline. Affected: yes. Not counted in ClinVar's aggregate classification.

Brotman Baty Institute, University of Washington
No classification provided (evidence only). Condition: Breast-ovarian cancer, familial 1. Review status: no classification provided. Collection method: in vitro. Allele origin: not applicable. Functional consequence: functionally_abnormal. Not counted in ClinVar's aggregate classification.
ClinVar note: "not provided" was previously submitted as the classification for the variant. However, the classification appeared to be based only on an observation of functional data so it was converted to no classification on 2025-07-30.

Literature cited by the submitters: PubMed 30209399 (cited by Labcorp Genetics (formerly Invitae), Labcorp and Ambry Genetics); PubMed 23867111 (cited by Labcorp Genetics (formerly Invitae), Labcorp); PubMed 25452441 (cited by Labcorp Genetics (formerly Invitae), Labcorp); PubMed 28993434 (cited by Labcorp Genetics (formerly Invitae), Labcorp).

NM_007294.4(BRCA1):c.5056C>G (p.His1686Asp)

Gene: BRCA1 (BRCA1 DNA repair associated; minus strand). Cytogenetic location: 17q21.31.
Variant type: single nucleotide variant.
Coding change: c.5056C>G on transcript NM_007294.4 (MANE Select); coding-DNA position 5056, C replaced by G.
Protein change: p.His1686Asp; replaces histidine 1686 with aspartic acid.
Molecular consequence: missense variant. On other transcripts: non-coding transcript variant (1).
Genome position (GRCh38, 1-based): chr17:43,067,626, G>C on the plus strand (C>G on the coding strand, the complement: BRCA1 is on the minus strand). VCF-style: chr17-43067626-G-C. GRCh37 (hg19) VCF-style: chr17-41219643-G-C.
Other names: c.4789C>G, p.His1597Asp (NM_001407929.1, NM_001407930.1, NM_001407931.1 and 4 more transcripts); c.4786C>G, p.His1596Asp (NM_001407934.1, NM_001407935.1, NM_001407936.1); c.4912C>G, p.His1638Asp (NM_001407945.1, NM_001407734.1, NM_001407735.1 and 21 more transcripts); c.4723C>G, p.His1575Asp (NM_001407946.1, NM_001407947.1, NM_001407948.1 and 1 more transcripts); c.4720C>G, p.His1574Asp (NM_001407950.1, NM_001407951.1, NM_001407952.1 and 3 more transcripts); c.4549C>G, p.His1517Asp (NM_001407965.1); c.4168C>G, p.His1390Asp (NM_001407966.1); c.4165C>G, p.His1389Asp (NM_001407967.1); and 70 more; short protein forms H582D, H1639D, H1686D, H1707D, H1390D, H1559D, H1573D, H1597D.
Identifiers: ClinVar variation 867583 (VCV000867583.9), dbSNP rs1555579648, ClinGen allele CA10591408.